The following is an entry in ClinVar:

NM_016148.5(SHANK1):c.4357C>T (p.Pro1453Ser)

Gene: SHANK1 (SH3 and multiple ankyrin repeat domains 1; minus strand). Cytogenetic location: 19q13.33.
Variant type: single nucleotide variant.
Coding change: c.4357C>T on transcript NM_016148.5 (MANE Select); coding-DNA position 4357, C replaced by T.
Protein change: p.Pro1453Ser; replaces proline 1453 with serine.
Molecular consequence: missense variant.
Genome position (GRCh38, 1-based): chr19:50,667,603, G>A on the plus strand (C>T on the coding strand, the complement: SHANK1 is on the minus strand). VCF-style: chr19-50667603-G-A. GRCh37 (hg19) VCF-style: chr19-51170860-G-A.
Other names: short protein forms P1453S.
Identifiers: ClinVar variation 3365269 (VCV003365269.2).

ClinVar aggregate classification (germline): Uncertain significance (1 of 4 stars; one submission).

Submission:

GeneDx
Classification: Uncertain significance. Last evaluated: 2024-11-25. Review status: criteria provided, single submitter. Criteria: GeneDx Variant Classification Process June 2021. Collection method: clinical testing. Allele origin: germline.
Comment: Not observed at significant frequency in large population cohorts (gnomAD); In silico analysis indicates that this missense variant does not alter protein structure/function; Has not been previously published as pathogenic or benign to our knowledge